The following is an entry in ClinVar:

NM_000051.4(ATM):c.-1C>A

Gene: ATM (ATM serine/threonine kinase; plus strand). Cytogenetic location: 11q22.3.
Variant type: single nucleotide variant.
Coding change: c.-1C>A on transcript NM_000051.4 (MANE Select); 1 bases upstream of the start codon, C replaced by A.
Molecular consequence: 5 prime UTR variant.
Genome position (GRCh38, 1-based): chr11:108,227,624, C>A. VCF-style: chr11-108227624-C-A. GRCh37 (hg19) VCF-style: chr11-108098351-C-A.
Other names: c.-1C>A (NM_001351834.2, NM_001351835.2, NM_001351836.2).
Identifiers: ClinVar variation 5031868 (VCV005031868.1).
Genomic context (GRCh38, chr11:108,227,624, plus strand): 5'-ATATATATACCTATATGTATTTTTTTTACAGACAGTGATGTGTGTTCTGAAATTGTGAAC[C>A]ATGAGTCTAGTACTTAATGATCTGCTTATCTGCTGCCGTCAACTAGAACATGATAGAGCT-3'

ClinVar aggregate classification (germline): Uncertain significance (1 of 4 stars; one submission).

Conditions:
Hereditary cancer-predisposing syndrome. Also called: Neoplastic Syndromes, Hereditary; Tumor predisposition; Hereditary neoplastic syndrome; Hereditary Cancer Syndrome. Identifiers: Orphanet 140162, MedGen C0027672, MeSH D009386, MONDO:0015356.

Submission:

Ambry Genetics
Classification: Uncertain significance for Hereditary cancer-predisposing syndrome. Last evaluated: 2026-08-10. Review status: criteria provided, single submitter. Criteria: Ambry Variant Classification Scheme 2023. Collection method: clinical testing. Allele origin: germline.
Comment: The c.-1C>A variant is located in the 5' untranslated region (5&rsquo; UTR) of the ATM gene. This variant results from a C to A substitution 1 bases upstream from the first translated codon. This nucleotide position is well conserved in available vertebrate species. Based on the available evidence, the clinical significance of this variant remains unclear.